The following is an entry in ClinVar:

ClinVar aggregate classification (germline): Uncertain significance (1 of 4 stars; one submission).

Conditions:
GNAS-related disorder. Identifiers: MedGen CN380105.

Submission:

PreventionGenetics, part of Exact Sciences
Classification: Uncertain significance for GNAS-related condition. Last evaluated: 2026-08-07. Review status: criteria provided, single submitter. Criteria: ACMG Guidelines, 2015. Collection method: clinical testing. Allele origin: germline.
Comment: The GNAS c.1418C>A variant is predicted to result in the amino acid substitution p.Ala473Asp. Of note, in the more commonly reported transcript (NM_000516.5) this variant is pre-coding (c.-37044C>A). To our knowledge, this variant has not been reported in the literature or in a large population database (gnomAD), indicating this variant is rare. At this time, the clinical significance of this variant is uncertain due to the absence of conclusive functional and genetic evidence.

NM_080425.4(GNAS):c.1418C>A (p.Ala473Asp)

Gene: GNAS (GNAS complex locus; plus strand). Cytogenetic location: 20q13.32.
Variant type: single nucleotide variant.
Coding change: c.1418C>A on transcript NM_080425.4 (MANE Plus Clinical); coding-DNA position 1418, C replaced by A.
Protein change: p.Ala473Asp; replaces alanine 473 with aspartic acid.
Molecular consequence: missense variant. On other transcripts: intron variant (3).
Genome position (GRCh38, 1-based): chr20:58,854,683, C>A. VCF-style: chr20-58854683-C-A. GRCh37 (hg19) VCF-style: chr20-57429738-C-A.
Other names: c.1231C>A, p.Leu411Ile (NM_001077490.3, NM_001309883.1); c.1418C>A, p.Ala473Asp (NM_001410913.1); c.*42+13797C>A (NM_016592.5); c.43+13797C>A (NM_001410912.1); c.-39+12808C>A (NM_001309861.2); short protein forms A473D, L411I.
Identifiers: ClinVar variation 4998965 (VCV004998965.1).